The following is an entry in ClinVar:

ClinVar aggregate classification (germline): Uncertain significance. Review status: criteria provided, multiple submitters, no conflicts (2 of 4 stars). 2 submissions from 2 submitters: Uncertain significance (2). Last evaluated 2022-11-08.

Allele frequency attached by ClinVar (database versions not stated): ExAC 0.00001; gnomAD 0.00001; TOPMed 0.00001; gnomAD exomes 0.00002.
gnomAD v4.1: 27 of 1,608,896 alleles (0.0017%); highest among the groups gnomAD compares: Admixed American, 0.0017%; no homozygotes.

Submissions (2):

Labcorp Genetics (formerly Invitae), Labcorp
Classification: Uncertain significance. Last evaluated: 2022-11-08. Review status: criteria provided, single submitter. Criteria: Invitae Variant Classification Sherloc (09022015). Collection method: clinical testing. Allele origin: germline.
Comment: In summary, the available evidence is currently insufficient to determine the role of this variant in disease. Therefore, it has been classified as a Variant of Uncertain Significance. Advanced modeling of protein sequence and biophysical properties (such as structural, functional, and spatial information, amino acid conservation, physicochemical variation, residue mobility, and thermodynamic stability) performed at Invitae indicates that this missense variant is expected to disrupt KCNH1 protein function. This sequence change replaces methionine, which is neutral and non-polar, with isoleucine, which is neutral and non-polar, at codon 3 of the KCNH1 protein (p.Met3Ile). This variant is present in population databases (rs752274336, gnomAD 0.05%). This variant has not been reported in the literature in individuals affected with KCNH1-related conditions. ClinVar contains an entry for this variant (Variation ID: 806343).

CeGaT Center for Human Genetics Tuebingen
Classification: Uncertain significance. Last evaluated: 2018-05-01. Review status: criteria provided, single submitter. Criteria: CeGaT Center For Human Genetics Tuebingen Variant Classification Criteria Version 2. Collection method: clinical testing. Allele origin: germline. Affected: yes. Observed: 1 variant allele.

NM_172362.3(KCNH1):c.9G>A (p.Met3Ile)

Gene: KCNH1 (potassium voltage-gated channel subfamily H member 1; minus strand). Cytogenetic location: 1q32.2.
Variant type: single nucleotide variant.
Coding change: c.9G>A on transcript NM_172362.3 (MANE Select); coding-DNA position 9, G replaced by A.
Protein change: p.Met3Ile; replaces methionine 3 with isoleucine.
Molecular consequence: missense variant.
Genome position (GRCh38, 1-based): chr1:211,133,937, C>T on the plus strand (G>A on the coding strand, the complement: KCNH1 is on the minus strand). VCF-style: chr1-211133937-C-T. GRCh37 (hg19) VCF-style: chr1-211307279-C-T.
Other names: c.9G>A, p.Met3Ile (NM_002238.4); short protein forms M3I.
Identifiers: ClinVar variation 806343 (VCV000806343.48), dbSNP rs752274336, ClinGen allele CA1380143.
Genomic context (GRCh38, chr1:211,133,937, plus strand): 5'-CCGAACAATATTCTCCAGAAACGTGTTTTGAGGGGCCACTAGTCCCCTCCTGCCCCCAGC[C>T]ATGGTCATCCTCCCAGCAGCTCGGGGTCCGGCGGGCGTCCTGGCGCGGCTTCTTACGACA-3'
Protein context (NP_758872.1, residues 1-13): MT[Met3Ile]AGGRRGLVAP